The following is an entry in ClinVar:

ClinVar aggregate classification (germline): Pathogenic (1 of 4 stars; one submission).

Conditions:
Familial cancer of breast. Also called: hereditary breast carcinoma; Hereditary breast cancer; BREAST CANCER, FAMILIAL. Identifiers: Orphanet 227535, MedGen C0346153, MONDO:0016419, OMIM 114480. Disease mechanism: loss of function.

Submission:

Labcorp Genetics (formerly Invitae), Labcorp
Classification: Pathogenic for Familial cancer of breast. Last evaluated: 2019-04-25. Review status: criteria provided, single submitter. Criteria: Invitae Variant Classification Sherloc (09022015). Collection method: clinical testing. Allele origin: germline.
Comment: This sequence change creates a premature translational stop signal (p.Leu337Tyrfs*9) in the PALB2 gene. It is expected to result in an absent or disrupted protein product. This variant is not present in population databases (ExAC no frequency). This variant has not been reported in the literature in individuals with PALB2-related conditions. Loss-of-function variants in PALB2 are known to be pathogenic (PMID: 17200668, 24136930, 25099575). For these reasons, this variant has been classified as Pathogenic.

Literature cited by the submitters: PubMed 17200668; PubMed 24136930; PubMed 25099575.

NM_024675.4(PALB2):c.1010del (p.Leu337fs)

Gene: PALB2 (partner and localizer of BRCA2; minus strand). Cytogenetic location: 16p12.2.
Variant type: Deletion.
Coding change: c.1010del on transcript NM_024675.4 (MANE Select); coding-DNA position 1010, one base deleted (T; older notation c.1010delT).
Protein change: p.Leu337fs; shifts the reading frame from leucine 337.
Molecular consequence: frameshift variant.
Genome position (GRCh38, 1-based): chr16:23,635,536, A deleted on the plus strand (T on the coding strand, the reverse complement: PALB2 is on the minus strand); the first of 2 consecutive A bases (chr16:23,635,536-23,635,537); deleting either gives the same sequence. VCF-style (leftmost placement, unchanged base first): chr16-23635535-TA-T. GRCh37 (hg19) VCF-style: chr16-23646856-TA-T.
Other names: short protein forms L337fs.
Identifiers: ClinVar variation 846450 (VCV000846450.8), dbSNP rs1967002076, ClinGen allele CA916081815.